The following is an entry in ClinVar:

ClinVar aggregate classification (germline): Uncertain significance. Review status: criteria provided, multiple submitters, no conflicts (2 of 4 stars). 2 submissions from 2 submitters: Uncertain significance (2). Last evaluated 2023-05-22.

Conditions:
Cardiovascular phenotype. Identifiers: MedGen CN230736.
Progressive familial heart block type IB (PFHB1B). Identifiers: Orphanet 871, MedGen C1970298, MONDO:0011474, OMIM 604559.

Allele frequency attached by ClinVar (database versions not stated): gnomAD exomes below 0.00001; TOPMed 0.00001.
gnomAD v4.1: 1 of 1,613,780 alleles (0.000062%); highest among the groups gnomAD compares: Non-Finnish European, 0.000085%; no homozygotes.

Submissions (2):

Ambry Genetics
Classification: Uncertain significance for Cardiovascular phenotype. Last evaluated: 2023-05-22. Review status: criteria provided, single submitter. Criteria: Ambry Variant Classification Scheme 2023. Collection method: clinical testing. Allele origin: germline.
Comment: The p.F936I variant (also known as c.2806T>A), located in coding exon 19 of the TRPM4 gene, results from a T to A substitution at nucleotide position 2806. The phenylalanine at codon 936 is replaced by isoleucine, an amino acid with highly similar properties. This amino acid position is conserved. In addition, this alteration is predicted to be deleterious by in silico analysis. Since supporting evidence is limited at this time, the clinical significance of this alteration remains unclear.

Labcorp Genetics (formerly Invitae), Labcorp
Classification: Uncertain significance for Progressive familial heart block type IB. Last evaluated: 2021-02-09. Review status: criteria provided, single submitter. Criteria: Invitae Variant Classification Sherloc (09022015). Collection method: clinical testing. Allele origin: germline.
Comment: In summary, the available evidence is currently insufficient to determine the role of this variant in disease. Therefore, it has been classified as a Variant of Uncertain Significance. Algorithms developed to predict the effect of missense changes on protein structure and function are either unavailable or do not agree on the potential impact of this missense change (SIFT: "Tolerated"; PolyPhen-2: "Probably Damaging"; Align-GVGD: "Class C0"). This variant has not been reported in the literature in individuals with TRPM4-related conditions. This variant is not present in population databases (ExAC no frequency). This sequence change replaces phenylalanine with isoleucine at codon 936 of the TRPM4 protein (p.Phe936Ile). The phenylalanine residue is moderately conserved and there is a small physicochemical difference between phenylalanine and isoleucine.

NM_017636.4(TRPM4):c.2806T>A (p.Phe936Ile)

Gene: TRPM4 (transient receptor potential cation channel subfamily M member 4; plus strand). Cytogenetic location: 19q13.33.
Variant type: single nucleotide variant.
Coding change: c.2806T>A on transcript NM_017636.4 (MANE Select); coding-DNA position 2806, T replaced by A.
Protein change: p.Phe936Ile; replaces phenylalanine 936 with isoleucine.
Molecular consequence: missense variant.
Genome position (GRCh38, 1-based): chr19:49,200,638, T>A. VCF-style: chr19-49200638-T-A. GRCh37 (hg19) VCF-style: chr19-49703895-T-A.
Other names: c.2371T>A, p.Phe791Ile (NM_001195227.2); c.2461T>A, p.Phe821Ile (NM_001321281.2); c.1198T>A, p.Phe400Ile (NM_001321282.2); c.2284T>A, p.Phe762Ile (NM_001321283.2); c.1744T>A, p.Phe582Ile (NM_001321285.2); c.2806T>A (NM_017636.3); short protein forms F400I, F582I, F762I, F791I, F821I, F936I.
Identifiers: ClinVar variation 1024566 (VCV001024566.10), dbSNP rs1421769946, ClinGen allele CA406811676.